The following is an entry in ClinVar:

ClinVar aggregate classification (germline): Uncertain significance (1 of 4 stars; one submission).

Allele frequency attached by ClinVar (database versions not stated): gnomAD exomes 0.00001.

Submission:

CeGaT Center for Human Genetics Tuebingen
Classification: Uncertain significance. Last evaluated: 2022-09-01. Review status: criteria provided, single submitter. Criteria: CeGaT Center For Human Genetics Tuebingen Variant Classification Criteria Version 2. Collection method: clinical testing. Allele origin: germline. Affected: yes. Observed: 1 variant allele.
Comment: IRF2BPL: PM2

NM_024496.4(IRF2BPL):c.178G>A (p.Ala60Thr)

Genes: IRF2BPL (interferon regulatory factor 2 binding protein like; minus strand), LOC107984638 (uncharacterized LOC107984638; plus strand). Cytogenetic location: 14q24.3.
Variant type: single nucleotide variant.
Coding change: c.178G>A on transcript NM_024496.4 (MANE Select); coding-DNA position 178, G replaced by A.
Protein change: p.Ala60Thr; replaces alanine 60 with threonine.
Molecular consequence: missense variant.
Genome position (GRCh38, 1-based): chr14:77,027,615, C>T on the plus strand (G>A on the coding strand, the complement: IRF2BPL is on the minus strand). VCF-style: chr14-77027615-C-T. GRCh37 (hg19) VCF-style: chr14-77493958-C-T.
Other names: short protein forms A60T.
Identifiers: ClinVar variation 2644423 (VCV002644423.24), dbSNP rs1885193390, ClinGen allele CA390501162.
Genomic context (GRCh38, chr14:77,027,615, plus strand): 5'-TCTTGACCCCGACGGGCGGCGGCGGCCCGGGGGAGCGGCCGTCCTGGAAGCAGCCGTGCG[C>T]CCGCTTCAGCTGGCGCGCTGTCTCGATCACGAATTCGATGCGATCAGCGCCCTCGTAGTT-3'
Protein context (NP_078772.1, residues 50-70): VIETARQLKR[Ala60Thr]HGCFQDGRSP